The following is an entry in ClinVar:

NM_032444.4(SLX4):c.299C>A (p.Thr100Asn)

Gene: SLX4 (SLX4 structure-specific endonuclease subunit; minus strand). Cytogenetic location: 16p13.3.
Variant type: single nucleotide variant.
Coding change: c.299C>A on transcript NM_032444.4 (MANE Select); coding-DNA position 299, C replaced by A.
Protein change: p.Thr100Asn; replaces threonine 100 with asparagine.
Molecular consequence: missense variant.
Genome position (GRCh38, 1-based): chr16:3,608,666, G>T on the plus strand (C>A on the coding strand, the complement: SLX4 is on the minus strand). VCF-style: chr16-3608666-G-T. GRCh37 (hg19) VCF-style: chr16-3658667-G-T.
Other names: c.299C>A (NM_032444.3); short protein forms T100N.
Identifiers: ClinVar variation 1427194 (VCV001427194.7), dbSNP rs201163062, ClinGen allele CA7866910.
Genomic context (GRCh38, chr16:3,608,666, plus strand): 5'-GTCCTAGGGGCCTGGCTGCCAGACGGAGGTTTCTTCTCTGCAGGGCCTTGAAGGGTTTTG[G>T]TCTTGGTAGCAGTTTGTTTGGTCCTTTTCAATTTGCTTCTTATCTGAGTGCCGTTTGAGG-3'
Protein context (NP_115820.2, residues 90-110): LKRTKQTATK[Thr100Asn]KTLQGPAEKK

ClinVar aggregate classification (germline): Uncertain significance. Review status: criteria provided, multiple submitters, no conflicts (2 of 4 stars). 4 submissions from 4 submitters: Uncertain significance (4). Last evaluated 2026-09-25.

Conditions:
Fanconi anemia complementation group P. Also called: SLX4-Related Fanconi Anemia. Identifiers: Orphanet 84, MedGen C3469542, MONDO:0013499, OMIM 613951.
SLX4-related disorder. Also called: SLX4-related condition.
Hereditary cancer-predisposing syndrome. Also called: Tumor predisposition; Neoplastic Syndromes, Hereditary; Hereditary Cancer Syndrome; Hereditary neoplastic syndrome. Identifiers: Orphanet 140162, MedGen C0027672, MeSH D009386, MONDO:0015356.
Fanconi anemia (FA). Also called: Fanconi's anemia. Identifiers: Orphanet 84, MedGen C0015625, MeSH D005199, MONDO:0019391.

Allele frequency attached by ClinVar (database versions not stated): ExAC 0.00002.
gnomAD v4.1: 25 of 1,614,100 alleles (0.0015%); highest among the groups gnomAD compares: Admixed American, 0.023%; no homozygotes.

Submissions (4):

PreventionGenetics, part of Exact Sciences
Classification: Uncertain significance for SLX4-related condition. Last evaluated: 2026-09-25. Review status: criteria provided, single submitter. Criteria: ACMG Guidelines, 2015. Collection method: clinical testing. Allele origin: germline.
Comment: The SLX4 c.299C>A variant is predicted to result in the amino acid substitution p.Thr100Asn. To our knowledge, this variant has not been reported in the literature. This variant is reported in 0.032% of alleles in individuals of Latino descent in gnomAD. At this time, the clinical significance of this variant is uncertain due to the absence of conclusive functional and genetic evidence.

Molecular Diagnostics Laboratory, Catalan Institute of Oncology
Classification: Uncertain significance for Hereditary cancer-predisposing syndrome. Last evaluated: 2024-09-17. Review status: criteria provided, single submitter. Criteria: ACMG Guidelines, 2015. Collection method: clinical testing. Allele origin: germline.
Comment: BP4_moderate c.299C>A, located in exon 2 of the SLX4 gene, is predicted to result in the substitution of threonine by asparagine at codon 100, p.(Thr100Asn).This variant is found in 12/268362 alleles at a frequency of 0.050% in the gnomAD v2.1.1 database, non-cancer dataset. The SpliceAI algorithm predicts no significant impact on splicing and the REVEL meta-predictor score (0.048) for this variant suggests that it does not affect the protein function according to Pejaver 2022 thresholds (PMID: 36413997) (BP4_moderate). To our knowledge, neither relevant clinical data nor well-established functional studies have been reported for this variant. This variant has been reported twice in the ClinVar database as an uncertain significance variant but it has not been identified in LOVD. Based on currently available information, the variant c.299C>A should be considered an uncertain significance variant.

Fulgent Genetics
Classification: Uncertain significance for Fanconi anemia complementation group P. Last evaluated: 2024-04-26. Review status: criteria provided, single submitter. Criteria: ACMG Guidelines, 2015. Collection method: clinical testing. Allele origin: germline.

Labcorp Genetics (formerly Invitae), Labcorp
Classification: Uncertain significance for Fanconi anemia. Last evaluated: 2024-03-26. Review status: criteria provided, single submitter. Criteria: Invitae Variant Classification Sherloc (09022015). Collection method: clinical testing. Allele origin: germline.
Comment: This sequence change replaces threonine, which is neutral and polar, with asparagine, which is neutral and polar, at codon 100 of the SLX4 protein (p.Thr100Asn). This variant is present in population databases (rs201163062, gnomAD 0.03%). This variant has not been reported in the literature in individuals affected with SLX4-related conditions. ClinVar contains an entry for this variant (Variation ID: 1427194). Algorithms developed to predict the effect of missense changes on protein structure and function output the following: SIFT: "Not Available"; PolyPhen-2: "Benign"; Align-GVGD: "Not Available". The asparagine amino acid residue is found in multiple mammalian species, which suggests that this missense change does not adversely affect protein function. In summary, the available evidence is currently insufficient to determine the role of this variant in disease. Therefore, it has been classified as a Variant of Uncertain Significance.